The following is an entry in ClinVar:

ClinVar aggregate classification (germline): Uncertain significance (1 of 4 stars; one submission).

Conditions:
Perlman syndrome (PRLMNS). Identifiers: Orphanet 2849, MedGen C0796113, MONDO:0009965, OMIM 267000.

Allele frequency attached by ClinVar (database versions not stated): gnomAD exomes below 0.00001; TOPMed below 0.00001.
gnomAD v4.1: 4 of 1,612,028 alleles (0.00025%); highest among the groups gnomAD compares: Admixed American, 0.005%; no homozygotes.

Submission:

Labcorp Genetics (formerly Invitae), Labcorp
Classification: Uncertain significance for Perlman syndrome. Last evaluated: 2025-06-24. Review status: criteria provided, single submitter. Criteria: Invitae Variant Classification Sherloc (09022015). Collection method: clinical testing. Allele origin: germline.
Comment: This sequence change replaces cysteine, which is neutral and slightly polar, with arginine, which is basic and polar, at codon 676 of the DIS3L2 protein (p.Cys676Arg). This variant is not present in population databases (gnomAD no frequency). This variant has not been reported in the literature in individuals affected with DIS3L2-related conditions. ClinVar contains an entry for this variant (Variation ID: 835052). An algorithm developed to predict the effect of missense changes on protein structure and function (PolyPhen-2) suggests that this variant is likely to be disruptive. In summary, the available evidence is currently insufficient to determine the role of this variant in disease. Therefore, it has been classified as a Variant of Uncertain Significance.

NM_152383.5(DIS3L2):c.2026T>C (p.Cys676Arg)

Gene: DIS3L2 (DIS3 like 3'-5' exoribonuclease 2; plus strand). Cytogenetic location: 2q37.1.
Variant type: single nucleotide variant.
Coding change: c.2026T>C on transcript NM_152383.5 (MANE Select); coding-DNA position 2026, T replaced by C.
Protein change: p.Cys676Arg; replaces cysteine 676 with arginine.
Molecular consequence: missense variant. On other transcripts: non-coding transcript variant (2), intron variant (1).
Genome position (GRCh38, 1-based): chr2:232,333,855, T>C. VCF-style: chr2-232333855-T-C. GRCh37 (hg19) VCF-style: chr2-233198565-T-C.
Other names: c.1582-9490T>C (NM_001257281.2); short protein forms C676R.
Identifiers: ClinVar variation 835052 (VCV000835052.7), dbSNP rs1695847104, ClinGen allele CA350977324.
Genomic context (GRCh38, chr2:232,333,855, plus strand): 5'-GGGCAGCTCTGGGCTTGTCAGGCTCTGACCCATCCCGTCCCGCAGATGGCACTGTACTTC[T>C]GCTCGGGGCTGCTGCAGGACCCAGCGCAGTTCCGGCACTACGCGCTCAATGTGCCCCTGT-3'
Protein context (NP_689596.4, residues 666-686): SRPMQMALYF[Cys676Arg]SGLLQDPAQF